The following is an entry in ClinVar:

ClinVar aggregate classification (germline): Uncertain significance (1 of 4 stars; one submission).

gnomAD v4.1: 1 of 1,613,830 alleles (0.000062%); highest among the groups gnomAD compares: Non-Finnish European, 0.000085%; no homozygotes.

Submission:

GeneDx
Classification: Uncertain significance. Last evaluated: 2025-01-28. Review status: criteria provided, single submitter. Criteria: GeneDx Variant Classification Process June 2021. Collection method: clinical testing. Allele origin: germline. Affected: yes.
Comment: Not observed at significant frequency in large population cohorts (gnomAD); In silico analysis supports that this missense variant has a deleterious effect on protein structure/function; Has not been previously published as pathogenic or benign to our knowledge

NM_001033044.4(GLUL):c.514G>A (p.Gly172Ser)

Genes: GLUL (glutamate-ammonia ligase; minus strand), LOC126805944 (CDK7 strongly-dependent group 2 enhancer GRCh37_chr1:182354799-182355998; plus strand). Cytogenetic location: 1q25.3.
Variant type: single nucleotide variant.
Coding change: c.514G>A on transcript NM_001033044.4 (MANE Select); coding-DNA position 514, G replaced by A.
Protein change: p.Gly172Ser; replaces glycine 172 with serine.
Molecular consequence: missense variant.
Genome position (GRCh38, 1-based): chr1:182,385,849, C>T on the plus strand (G>A on the coding strand, the complement: GLUL is on the minus strand). VCF-style: chr1-182385849-C-T. GRCh37 (hg19) VCF-style: chr1-182354984-C-T.
Other names: c.514G>A, p.Gly172Ser (NM_001033056.4, NM_002065.7); short protein forms G172S.
Identifiers: ClinVar variation 4071916 (VCV004071916.1).